The following is an entry in ClinVar:

ClinVar aggregate classification (germline): Uncertain significance. Review status: criteria provided, multiple submitters, no conflicts (2 of 4 stars). 2 submissions from 2 submitters: Uncertain significance (2). Last evaluated 2024-11-21.

Conditions:
Fanconi anemia (FA). Also called: Fanconi's anemia. Identifiers: Orphanet 84, MedGen C0015625, MeSH D005199, MONDO:0019391.
Inborn genetic diseases. Identifiers: MedGen C0950123, MeSH D030342.

Allele frequency attached by ClinVar (database versions not stated): gnomAD 0.00001.

Submissions (2):

Ambry Genetics
Classification: Uncertain significance for Inborn genetic diseases. Last evaluated: 2024-11-21. Review status: criteria provided, single submitter. Criteria: Ambry Variant Classification Scheme 2023. Collection method: clinical testing. Allele origin: germline.
Comment: The p.F420L variant (also known as c.1260T>A), located in coding exon 7 of the FANCM gene, results from a T to A substitution at nucleotide position 1260. The phenylalanine at codon 420 is replaced by leucine, an amino acid with highly similar properties. This amino acid position is conserved. In addition, this alteration is predicted to be tolerated by in silico analysis. Based on the available evidence, the clinical significance of this variant remains unclear.

Labcorp Genetics (formerly Invitae), Labcorp
Classification: Uncertain significance for Fanconi anemia. Last evaluated: 2023-08-19. Review status: criteria provided, single submitter. Criteria: Invitae Variant Classification Sherloc (09022015). Collection method: clinical testing. Allele origin: germline.
Comment: In summary, the available evidence is currently insufficient to determine the role of this variant in disease. Therefore, it has been classified as a Variant of Uncertain Significance. An algorithm developed to predict the effect of missense changes on protein structure and function (PolyPhen-2) suggests that this variant is likely to be tolerated. ClinVar contains an entry for this variant (Variation ID: 2171427). This variant has not been reported in the literature in individuals affected with FANCM-related conditions. This variant is present in population databases (no rsID available, gnomAD 0.02%). This sequence change replaces phenylalanine, which is neutral and non-polar, with leucine, which is neutral and non-polar, at codon 420 of the FANCM protein (p.Phe420Leu).

NM_020937.4(FANCM):c.1260T>A (p.Phe420Leu)

Gene: FANCM (FA complementation group M; plus strand). Cytogenetic location: 14q21.2.
Variant type: single nucleotide variant.
Coding change: c.1260T>A on transcript NM_020937.4 (MANE Select); coding-DNA position 1260, T replaced by A.
Protein change: p.Phe420Leu; replaces phenylalanine 420 with leucine.
Molecular consequence: missense variant.
Genome position (GRCh38, 1-based): chr14:45,154,773, T>A. VCF-style: chr14-45154773-T-A. GRCh37 (hg19) VCF-style: chr14-45623976-T-A.
Other names: c.1182T>A, p.Phe394Leu (NM_001308133.2); c.1260T>A, p.Phe420Leu (NM_001308134.2); short protein forms F420L, F394L.
Identifiers: ClinVar variation 2171427 (VCV002171427.5), dbSNP rs1312816191, ClinGen allele CA389591277.
Genomic context (GRCh38, chr14:45,154,773, plus strand): 5'-AAATGAACTTGGCCGAAATGAAGACTTCATGAAACTCTATAATCATCTAGAGTGTATGTT[T>A]GCACGTACACGTAGTACTTCAGCAAATGGTATTTCTGCTATCCAACAAGGTCTGGTTTTT-3'
Protein context (NP_065988.1, residues 410-430): MKLYNHLECM[Phe420Leu]ARTRSTSANG